The following is an entry in ClinVar:

NM_001009944.3(PKD1):c.6540del (p.Tyr2181fs)

Gene: PKD1 (polycystin 1, transient receptor potential channel interacting; minus strand). Cytogenetic location: 16p13.3.
Variant type: Deletion.
Coding change: c.6540del on transcript NM_001009944.3 (MANE Select); coding-DNA position 6540, one base deleted (C; older notation c.6540delC).
Protein change: p.Tyr2181fs; shifts the reading frame from tyrosine 2181.
Molecular consequence: frameshift variant.
Genome position (GRCh38, 1-based): chr16:2,108,627, G deleted on the plus strand (C on the coding strand, the reverse complement: PKD1 is on the minus strand); the first of 2 consecutive G bases (chr16:2,108,627-2,108,628); deleting either gives the same sequence. VCF-style (leftmost placement, unchanged base first): chr16-2108626-AG-A. GRCh37 (hg19) VCF-style: chr16-2158627-AG-A.
Other names: c.6540del, p.Tyr2181fs (NM_000296.4); short protein forms Y2181fs.
Identifiers: ClinVar variation 3335874 (VCV003335874.2).
Genomic context (GRCh38, chr16:2,108,626, plus strand): 5'-GGCGCCCCGGCCGCTGGCAGCTGGCGGTGCGATACACCTCCCAGCGGTACTCAGTCTGGT[AG>A]GTGACGCAGTCGCGCAGGTCAACGTGGGCCTCCAAGTAGTTGCGCTGTGATCGCCGCATC-3'

ClinVar aggregate classification (germline): Pathogenic (1 of 4 stars; one submission).

Conditions:
Polycystic kidney disease, adult type (PKD1). Also called: Polycystic Kidney, Autosomal Dominant; POLYCYSTIC KIDNEY DISEASE 1 WITH OR WITHOUT POLYCYSTIC LIVER DISEASE; POLYCYSTIC KIDNEY DISEASE, ADULT, TYPE I; Polycystic Kidney Disease 1, Autosomal Dominant; Polycystic kidney disease 1; Polycystic kidney disease 1, severe. Identifiers: MedGen C3149841, MONDO:0008263, OMIM 173900.

Submission:

Juno Genomics, Hangzhou Juno Genomics, Inc
Classification: Pathogenic for Polycystic kidney disease, adult type. Review status: criteria provided, single submitter. Criteria: ACMG Guidelines, 2015. Collection method: clinical testing. Allele origin: germline. Affected: yes.
Comment: Absent from controls (or at extremely low frequency if recessive) in Genome Aggregation Database, Exome Sequencing Project, 1000 Genomes Project, or Exome Aggregation Consortium.;Null variant in a gene where loss of function (LOF) is a known mechanism of disease.;Patient's phenotype or family history is highly specific for a disease with a single genetic etiology.